The following is an entry in ClinVar:

NM_017780.4(CHD7):c.6704A>C (p.Lys2235Thr)

Gene: CHD7 (chromodomain helicase DNA binding protein 7; plus strand). Cytogenetic location: 8q12.2.
Variant type: single nucleotide variant.
Coding change: c.6704A>C on transcript NM_017780.4 (MANE Select); coding-DNA position 6704, A replaced by C.
Protein change: p.Lys2235Thr; replaces lysine 2235 with threonine.
Molecular consequence: missense variant. On other transcripts: intron variant (1).
Genome position (GRCh38, 1-based): chr8:60,853,429, A>C. VCF-style: chr8-60853429-A-C. GRCh37 (hg19) VCF-style: chr8-61765988-A-C.
Other names: c.1717-8800A>C (NM_001316690.1); c.6704A>C (NM_017780.3); short protein forms K2235T.
Identifiers: ClinVar variation 2152371 (VCV002152371.21), dbSNP rs889211152, ClinGen allele CA371326142.

ClinVar aggregate classification (germline): Uncertain significance. Review status: criteria provided, multiple submitters, no conflicts (2 of 4 stars). 3 submissions from 3 submitters: Uncertain significance (3). Last evaluated 2025-12-24.

Conditions:
Inborn genetic diseases. Identifiers: MedGen C0950123, MeSH D030342.
CHARGE syndrome (CHARGE). Also called: Hittner Hirsch Kreh syndrome; CHARGE ASSOCIATION--COLOBOMA, HEART ANOMALY, CHOANAL ATRESIA, RETARDATION, GENITAL AND EAR ANOMALIES; Coloboma, heart anomaly, choanal atresia, retardation, genital and ear anomalies; CHARGE association; Hall-Hittner syndrome. Identifiers: Orphanet 138, MedGen C0265354, MONDO:0008965.

Allele frequency attached by ClinVar (database versions not stated): gnomAD exomes below 0.00001.
gnomAD v4.1: 3 of 1,521,462 alleles (0.0002%); highest among the groups gnomAD compares: South Asian, 0.0014%; no homozygotes.

Submissions (3):

Ambry Genetics
Classification: Uncertain significance for Inborn genetic diseases. Last evaluated: 2025-12-24. Review status: criteria provided, single submitter. Criteria: Ambry Variant Classification Scheme 2023. Collection method: clinical testing. Allele origin: germline.

CeGaT Center for Human Genetics Tuebingen
Classification: Uncertain significance. Last evaluated: 2024-07-01. Review status: criteria provided, single submitter. Criteria: CeGaT Center For Human Genetics Tuebingen Variant Classification Criteria Version 2. Collection method: clinical testing. Allele origin: germline. Affected: yes. Observed: 1 variant allele.
Comment: CHD7: PM2

Labcorp Genetics (formerly Invitae), Labcorp
Classification: Uncertain significance for CHARGE syndrome. Last evaluated: 2022-05-25. Review status: criteria provided, single submitter. Criteria: Invitae Variant Classification Sherloc (09022015). Collection method: clinical testing. Allele origin: germline.
Comment: In summary, the available evidence is currently insufficient to determine the role of this variant in disease. Therefore, it has been classified as a Variant of Uncertain Significance. Advanced modeling of protein sequence and biophysical properties (such as structural, functional, and spatial information, amino acid conservation, physicochemical variation, residue mobility, and thermodynamic stability) performed at Invitae indicates that this missense variant is not expected to disrupt CHD7 protein function. This variant has not been reported in the literature in individuals affected with CHD7-related conditions. This variant is not present in population databases (gnomAD no frequency). This sequence change replaces lysine, which is basic and polar, with threonine, which is neutral and polar, at codon 2235 of the CHD7 protein (p.Lys2235Thr).